The following is an entry in ClinVar:

NM_000135.4(FANCA):c.237C>A (p.Asp79Glu)

Gene: FANCA (FA complementation group A; minus strand). Cytogenetic location: 16q24.3.
Variant type: single nucleotide variant.
Coding change: c.237C>A on transcript NM_000135.4 (MANE Select); coding-DNA position 237, C replaced by A.
Protein change: p.Asp79Glu; replaces aspartic acid 79 with glutamic acid.
Molecular consequence: missense variant.
Genome position (GRCh38, 1-based): chr16:89,814,566, G>T on the plus strand (C>A on the coding strand, the complement: FANCA is on the minus strand). VCF-style: chr16-89814566-G-T. GRCh37 (hg19) VCF-style: chr16-89880974-G-T.
Other names: c.237C>A, p.Asp79Glu (NM_001018112.3, NM_001286167.3, NM_001351830.2); short protein forms D79E.
Identifiers: ClinVar variation 3848023 (VCV003848023.1).

ClinVar aggregate classification (germline): Uncertain significance (1 of 4 stars; one submission).

Conditions:
Inborn genetic diseases. Identifiers: MedGen C0950123, MeSH D030342.

Submission:

Ambry Genetics
Classification: Uncertain significance for Inborn genetic diseases. Last evaluated: 2024-12-14. Review status: criteria provided, single submitter. Criteria: Ambry Variant Classification Scheme 2023. Collection method: clinical testing. Allele origin: germline.
Comment: The p.D79E variant (also known as c.237C>A), located in coding exon 3 of the FANCA gene, results from a C to A substitution at nucleotide position 237. The aspartic acid at codon 79 is replaced by glutamic acid, an amino acid with highly similar properties. This amino acid position is conserved. In addition, this alteration is predicted to be tolerated by in silico analysis. Based on the available evidence, the clinical significance of this variant remains unclear.